The following is an entry in ClinVar:

ClinVar aggregate classification (germline): Likely pathogenic (1 of 4 stars; one submission).

Conditions:
Inborn genetic diseases. Identifiers: MedGen C0950123, MeSH D030342.

Submission:

Ambry Genetics
Classification: Likely pathogenic for Inborn genetic diseases. Last evaluated: 2025-10-08. Review status: criteria provided, single submitter. Criteria: Ambry Variant Classification Scheme 2023. Collection method: clinical testing. Allele origin: germline.
Comment: The c.4625C>T (p.P1542L) alteration is located in exon 9 (coding exon 9) of the TET3 gene. This alteration results from a C to T substitution at nucleotide position 4625, causing the proline (P) at amino acid position 1542 to be replaced by a leucine (L). This variant was not reported in population-based cohorts in the Genome Aggregation Database (gnomAD). This variant was reported in the heterozygous state in individual(s) with features consistent with Beck-Fahrner syndrome; in at least one individual, it was determined to be de novo (Beck, 2020). This variant has also been identified in the homozygous state in individual(s) with features consistent with Beck-Fahrner syndrome, inherited from mildly affected heterozygous parents (external communication). This amino acid position is highly conserved in available vertebrate species. This missense alteration is located in a region that has a low rate of benign missense variation (Lek, 2016; Firth, 2009). This alteration is predicted to be deleterious by in silico analysis. Based on the available evidence, this alteration is classified as likely pathogenic.

Literature cited by the submitters: PubMed 31928709.

NM_144993.1:c.4625C>T

Gene: TET3 (tet methylcytosine dioxygenase 3; plus strand).
Variant type: single nucleotide variant.
Other names: c.4625C>T (NM_144993.1).
Identifiers: ClinVar variation 4632994 (VCV004632994.1).